The following is an entry in ClinVar:

NM_000214.3(JAG1):c.62T>C (p.Leu21Pro)

Gene: JAG1 (jagged canonical Notch ligand 1; minus strand). Cytogenetic location: 20p12.2.
Variant type: single nucleotide variant.
Coding change: c.62T>C on transcript NM_000214.3 (MANE Select); coding-DNA position 62, T replaced by C.
Protein change: p.Leu21Pro; replaces leucine 21 with proline.
Molecular consequence: missense variant.
Genome position (GRCh38, 1-based): chr20:10,673,469, A>G on the plus strand (T>C on the coding strand, the complement: JAG1 is on the minus strand). VCF-style: chr20-10673469-A-G. GRCh37 (hg19) VCF-style: chr20-10654117-A-G.
Other names: c.62T>C, p.Leu21Pro (LRG_1191t1); short protein forms L21P.
Identifiers: ClinVar variation 234317 (VCV000234317.6), dbSNP rs876660977, ClinGen allele CA10577625.

ClinVar aggregate classification (germline): Conflicting classifications of pathogenicity. Review status: criteria provided, conflicting classifications (1 of 4 stars). 3 submissions from 3 submitters: Likely pathogenic (1); Uncertain significance (2). Last evaluated 2026-08-04.

Conditions:
JAG1-related disorder. Also called: JAG1-related condition; JAG1-related disorders.
Cardiovascular phenotype. Identifiers: MedGen CN230736.

Submissions (4):

PreventionGenetics, part of Exact Sciences
Classification: Uncertain significance for JAG1-related condition. Last evaluated: 2026-08-04. Review status: criteria provided, single submitter. Criteria: ACMG Guidelines, 2015. Collection method: clinical testing. Allele origin: germline.
Comment: The JAG1 c.62T>C variant is predicted to result in the amino acid substitution p.Leu21Pro. To our knowledge, this variant has not been reported in the literature or in a large population database (gnomAD), indicating this variant is rare. At this time, the clinical significance of this variant is uncertain due to the absence of conclusive functional and genetic evidence.

GeneDx
Classification: Likely pathogenic. Last evaluated: 2015-12-23. Review status: criteria provided, single submitter. Criteria: GeneDx Variant Classification (06012015). Collection method: clinical testing. Allele origin: germline. Affected: yes.
Comment: To our knowledge, the L21P variant has not been published as a pathogenic variant, nor has it been reported as a benign variant. It was not observed in approximately 5,000 individuals of European and African American ancestry in the NHLBI Exome Sequencing Project, indicating it is not a common benign variant in these populations. The L21P variant is a semi-conservative amino acid substitution, which may impact secondary protein structure as these residues differ in some properties. This substitution occurs at a position that is conserved across species and in-silico analysis predicts this variant is probably damaging to the protein structure/function. In addition, missense variants in nearby residues (L20P, C22R, A31V) have been reported in the Human Gene Mutation Database in association with Alagille syndrome (Stenson et al., 2014), supporting the functional importance of this region of the protein. Therefore, this variant is likely pathogenic; however, the possibility that it is benign cannot be excluded.

Ambry Genetics
Classification: Uncertain significance for Cardiovascular phenotype. Last evaluated: 2014-09-26. Review status: criteria provided, single submitter. Criteria: Ambry Variant Classification Scheme 2023. Collection method: clinical testing. Allele origin: germline.
Comment: The p.L21P variant (also known as c.62T>C), located in coding exon 1 of the JAG1 gene, results from a T to C substitution at nucleotide position 62. The leucine at codon 21 is replaced by proline, an amino acid with some similar properties. This variant was not reported in population based cohorts in the following databases: Database of Single Nucleotide Polymorphisms (dbSNP), NHLBI Exome Sequencing Project (ESP), and 1000 Genomes Project. In the ESP, this variant was not observed in 5061 samples (10122 alleles) with coverage at this position. This amino acid position is highly conserved on sequence alignment in vertebrates. In addition, the in silico prediction for this alteration is inconclusive. It is reported that 56-70% of mutations in JAG1 are de novo (Guegan et al. Clin Genet. 2012 Jul;82(1):33-40). Since supporting evidence is limited at this time, the clinical significance of p.L21P remains unclear.

Gilbert/Spinner Lab, Children's Hospital of Philadelphia
No classification provided (evidence only). Condition: Alagille syndrome. Review status: no classification provided. Collection method: research. Allele origin: not applicable. Functional consequence: functionally_abnormal. Not counted in ClinVar's aggregate classification.
ClinVar note: "not provided" was previously submitted as the classification for the variant. However, the classification appeared to be based only on an observation of functional data so it was converted to no classification on 2025-07-30.